The following is an entry in ClinVar:

ClinVar aggregate classification (germline): Benign/Likely benign. Review status: criteria provided, multiple submitters, no conflicts (2 of 4 stars). 2 submissions from 2 submitters: Benign (1); Likely benign (1). Last evaluated 2024-10-10.

Conditions:
Hereditary diffuse gastric adenocarcinoma (HDGC). Also called: DIFFUSE GASTRIC AND LOBULAR BREAST CANCER SYNDROME. Identifiers: Orphanet 26106, MedGen C1708349, MONDO:0007648, OMIM 137215.

Submissions (2):

Myriad Genetics, Inc.
Classification: Benign for Hereditary diffuse gastric adenocarcinoma. Last evaluated: 2024-10-10. Review status: criteria provided, single submitter. Criteria: Myriad Autosomal Dominant, Autosomal Recessive and X-Linked Classification Criteria (2023). Collection method: clinical testing. Allele origin: unknown.
Comment: This variant is considered benign. This variant is a silent/synonymous amino acid change and it is not expected to impact splicing.

Labcorp Genetics (formerly Invitae), Labcorp
Classification: Likely benign. Last evaluated: 2023-11-13. Review status: criteria provided, single submitter. Criteria: Invitae Variant Classification Sherloc (09022015). Collection method: clinical testing. Allele origin: germline.

NM_001903.5(CTNNA1):c.517T>C (p.Leu173=)

Gene: CTNNA1 (catenin alpha 1; plus strand). Cytogenetic location: 5q31.2.
Variant type: single nucleotide variant.
Coding change: c.517T>C on transcript NM_001903.5 (MANE Select); coding-DNA position 517, T replaced by C.
Protein change: p.Leu173=; no amino-acid change (leucine 173 retained).
Molecular consequence: synonymous variant.
Genome position (GRCh38, 1-based): chr5:138,812,231, T>C. VCF-style: chr5-138812231-T-C. GRCh37 (hg19) VCF-style: chr5-138147920-T-C.
Other names: c.517T>C, p.Leu173= (NM_001290307.3, NM_001323982.2, NM_001323983.1 and 3 more transcripts); c.208T>C, p.Leu70= (NM_001290309.3); c.148T>C, p.Leu50= (NM_001290310.3).
Identifiers: ClinVar variation 3004689 (VCV003004689.4), dbSNP rs2532348611, ClinGen allele CA446591396.
Genomic context (GRCh38, chr5:138,812,231, plus strand): 5'-CTTATTTTATAGGTGGAAGATGGTATCTTGAAGTTGAGGAATGCTGGCAATGAACAAGAC[T>C]TAGGAATCCAGTATAAAGCCCTAAAACCTGAAGTGGATAAGCTGAACATTATGGCAGCCA-3'
Protein context (NP_001894.2, residues 163-183): KLRNAGNEQD[Leu173=]GIQYKALKPE